The following is an entry in ClinVar:

ClinVar aggregate classification (germline): Pathogenic (1 of 4 stars; one submission).

Conditions:
Familial cancer of breast. Also called: BREAST CANCER, FAMILIAL; Hereditary breast cancer; hereditary breast carcinoma. Identifiers: Orphanet 227535, MedGen C0346153, MONDO:0016419, OMIM 114480. Disease mechanism: loss of function.

Submission:

Labcorp Genetics (formerly Invitae), Labcorp
Classification: Pathogenic for Familial cancer of breast. Last evaluated: 2025-06-04. Review status: criteria provided, single submitter. Criteria: Invitae Variant Classification Sherloc (09022015). Collection method: clinical testing. Allele origin: germline.
Comment: This sequence change creates a premature translational stop signal (p.Glu161Hisfs*26) in the CHEK2 gene. It is expected to result in an absent or disrupted protein product. Loss-of-function variants in CHEK2 are known to be pathogenic (PMID: 21876083, 24713400). This variant is not present in population databases (gnomAD no frequency). This variant has not been reported in the literature in individuals affected with CHEK2-related conditions. For these reasons, this variant has been classified as Pathogenic.

Literature cited by the submitters: PubMed 21876083; PubMed 24713400.

NM_007194.4(CHEK2):c.477_480dup (p.Glu161fs)

Gene: CHEK2 (checkpoint kinase 2; minus strand). Cytogenetic location: 22q12.1.
Variant type: Microsatellite.
Coding change: c.477_480dup on transcript NM_007194.4 (MANE Select); coding-DNA positions 477 to 480, 4 bases duplicated (CATA; older notation c.477_480dupCATA).
Protein change: p.Glu161fs; shifts the reading frame from glutamic acid 161.
Molecular consequence: frameshift variant. On other transcripts: 5 prime UTR variant (2), intron variant (1).
Genome position (GRCh38, 1-based): chr22:28,725,089-28,725,092, TATG duplicated on the plus strand (CATA on the coding strand, the reverse complement: CHEK2 is on the minus strand); duplicating any 4 consecutive bases within chr22:28,725,089-28,725,096 gives the same sequence; the c. name uses the placement nearest the transcript's 3' end. VCF-style (leftmost placement, unchanged base first): chr22-28725088-C-CTATG. GRCh37 (hg19) VCF-style: chr22-29121076-C-CTATG.
Other names: c.606_609dup, p.Glu204fs (NM_001005735.3, NM_001438294.1); c.-305CATA[3] (NM_001257387.3); c.-191CATA[3] (NM_001437942.1); c.570_573dup, p.Glu192fs (NM_001438293.1, NM_001438295.1); c.477_480dup, p.Glu161fs (NM_145862.3); c.444+147CATA[3] (NM_001349956.3); short protein forms E161fs, E192fs, E204fs.
Identifiers: ClinVar variation 4805468 (VCV004805468.1).
Genomic context (GRCh38, chr22:28,725,088, plus strand): 5'-GGCGTTTTCCTTTCCCTACAAGCTCTGTATTTACAAAGGTTCCATTGCCACTGTGATCTT[C>CTATG]TATGTATGCAATGTAAGAGTTTTTAGGACCCACTTCCTAAAATAGAGAACATTTTGTTTC-3'